The following is an entry in ClinVar:

ClinVar aggregate classification (germline): Conflicting classifications of pathogenicity. Review status: criteria provided, conflicting classifications (1 of 4 stars). 3 submissions from 3 submitters: Likely pathogenic (1); Uncertain significance (2). Last evaluated 2026-07-02.

Conditions:
Cardiovascular phenotype. Identifiers: MedGen CN230736.
Dilated cardiomyopathy 1G (CMD1G). Identifiers: Orphanet 154, MedGen C1858763, MONDO:0011400, OMIM 604145.
Autosomal recessive limb-girdle muscular dystrophy type 2J (LGMDR10). Also called: MUSCULAR DYSTROPHY, LIMB-GIRDLE, AUTOSOMAL RECESSIVE 10; Limb-girdle muscular dystrophy, type 2J. Identifiers: Orphanet 140922, MedGen C1837342, MONDO:0012127, OMIM 608807.

Allele frequency attached by ClinVar (database versions not stated): gnomAD exomes 0.00001 and below 0.00001; ExAC 0.00002.
gnomAD v4.1: 7 of 1,568,710 alleles (0.00045%); highest among the groups gnomAD compares: South Asian, 0.0071%; no homozygotes.

Submissions (3):

Ambry Genetics
Classification: Uncertain significance for Cardiovascular phenotype. Last evaluated: 2026-07-02. Review status: criteria provided, single submitter. Criteria: Ambry Variant Classification Scheme 2023. Collection method: clinical testing. Allele origin: germline.
Comment: The c.13439-1G>A intronic variant results from a G to A substitution one nucleotide before coding exon 48 of the TTN gene. Exon 48 is located in the I-band region of the N2-B isoform of the titin protein and is constitutively expressed in TTN transcripts (percent spliced in or PSI 100%). In silico splice site analysis predicts that this alteration will weaken the native splice acceptor site and will result in the creation or strengthening of a novel splice acceptor site. This variant disrupts the canonical splice site and is expected to cause aberrant splicing. However, although direct evidence is unavailable, this variant is predicted to result in an in-frame transcript that is not expected to trigger nonsense-mediated mRNA decay. The exact functional effect of the predicted splice impact is unknown. Based on the available evidence, the clinical significance of this variant remains unclear.

Labcorp Genetics (formerly Invitae), Labcorp
Classification: Likely pathogenic for Dilated cardiomyopathy 1G; Autosomal recessive limb-girdle muscular dystrophy type 2J. Last evaluated: 2024-10-28. Review status: criteria provided, single submitter. Criteria: Invitae Variant Classification Sherloc (09022015). Collection method: clinical testing. Allele origin: germline.
Comment: This sequence change affects an acceptor splice site in intron 220 of the TTN gene. It is expected to disrupt RNA splicing and likely results in a truncated or disrupted TTN protein. This variant is present in population databases (rs749062863, gnomAD 0.01%). This variant has not been reported in the literature in individuals affected with TTN-related conditions. ClinVar contains an entry for this variant (Variation ID: 393030). Algorithms developed to predict the effect of sequence changes on RNA splicing suggest that this variant may disrupt the consensus splice site. This variant is located in the I band of TTN (PMID: 25589632). Truncating variants in this region have been reported in individuals affected with autosomal recessive centronuclear myopathy (PMID: 23975875, internal data). Truncating variants in this region have also been identified in individuals affected with autosomal dominant dilated cardiomyopathy and/or cardio-related conditions (PMID: 27869827, 32964742, internal data). In summary, the currently available evidence indicates that the variant is pathogenic, but additional data are needed to prove that conclusively. Therefore, this variant has been classified as Likely Pathogenic.

GeneDx
Classification: Uncertain significance. Last evaluated: 2017-01-20. Review status: criteria provided, single submitter. Criteria: GeneDx Variant Classification (06012015). Collection method: clinical testing. Allele origin: germline. Affected: yes.
Comment: A variant of uncertain significance has been identified in the TTN gene. The c.35711-1 G>A variant has not been published as pathogenic or been reported as benign to our knowledge. This variant is not observed at a significant frequency in large population cohorts (Lek et al., 2016; Exome Variant Server). The c.35711-1 G>A variant is predicted to destroy the canonical splice acceptor site in intron 170 and is predicted to cause abnormal gene splicing. This variant is predicted to lead to either an abnormal message that is subject to nonsense-mediated mRNA decay, or to an abnormal protein product if the message is used for protein translation. However, other truncating TTN variants have been reported in approximately 3% of control alleles and the c.35711-1 G>A variant is not located in the A-band region of titin, where the majority of truncating pathogenic variants associated with DCM have been reported (Herman et al., 2012).

Literature cited by the submitters: PubMed 25589632 (cited by Labcorp Genetics (formerly Invitae), Labcorp); PubMed 23975875 (cited by Labcorp Genetics (formerly Invitae), Labcorp); PubMed 27869827 (cited by Labcorp Genetics (formerly Invitae), Labcorp); PubMed 32964742 (cited by Labcorp Genetics (formerly Invitae), Labcorp).

NM_001267550.2(TTN):c.40634-1G>A

Gene: TTN (titin; minus strand). Cytogenetic location: 2q31.2.
Variant type: single nucleotide variant.
Coding change: c.40634-1G>A on transcript NM_001267550.2 (MANE Select); the canonical splice acceptor site of the intron before coding-DNA position 40634, G replaced by A.
Molecular consequence: splice acceptor variant.
Genome position (GRCh38, 1-based): chr2:178,640,631, C>T on the plus strand (G>A on the coding strand, the complement: TTN is on the minus strand). VCF-style: chr2-178640631-C-T. GRCh37 (hg19) VCF-style: chr2-179505358-C-T.
Other names: c.13439-1G>A (NM_003319.4); c.14015-1G>A (NM_133437.4); c.13814-1G>A (NM_133432.3); c.32930-1G>A (NM_133378.4); c.35711-1G>A (NM_001256850.1).
Identifiers: ClinVar variation 393030 (VCV000393030.10), dbSNP rs749062863, ClinGen allele CA1996422.
Genomic context (GRCh38, chr2:178,640,631, plus strand): 5'-TTTTTGTAACAGTAGGTACTTCAACCTCTTCAACAGGTTTTGGAGGTGGTGGTTCTGGTA[C>T]TTTAAGATAAGATTATTTTTTCAGTGTTAATATTTGAATATTTAGGAAGCACCTCATCTG-3'